The following is an entry in ClinVar:

NM_144997.7(FLCN):c.1462del (p.Ala488fs)

Gene: FLCN (folliculin; minus strand). Cytogenetic location: 17p11.2.
Variant type: Deletion.
Coding change: c.1462del on transcript NM_144997.7 (MANE Select); coding-DNA position 1462, one base deleted (G; older notation c.1462delG).
Protein change: p.Ala488fs; shifts the reading frame from alanine 488.
Molecular consequence: frameshift variant.
Genome position (GRCh38, 1-based): chr17:17,215,061, C deleted on the plus strand (G on the coding strand, the reverse complement: FLCN is on the minus strand). VCF-style (leftmost placement, unchanged base first): chr17-17215060-GC-G. GRCh37 (hg19) VCF-style: chr17-17118374-GC-G.
Other names: c.1516del, p.Ala506fs (NM_001353229.2); c.1462del, p.Ala488fs (NM_001353230.2, NM_001353231.2); short protein forms A488fs, A506fs.
Identifiers: ClinVar variation 4995578 (VCV004995578.2).

ClinVar aggregate classification (germline): Pathogenic. Review status: criteria provided, multiple submitters, no conflicts (2 of 4 stars). 2 submissions from 2 submitters: Pathogenic (2). Last evaluated 2026-09-10.

Conditions:
Hereditary cancer-predisposing syndrome. Also called: Neoplastic Syndromes, Hereditary; Tumor predisposition; Hereditary Cancer Syndrome; Hereditary neoplastic syndrome. Identifiers: Orphanet 140162, MedGen C0027672, MeSH D009386, MONDO:0015356.
FLCN-related disorder. Also called: FLCN-related condition.

Submissions (2):

Ambry Genetics
Classification: Pathogenic for Hereditary cancer-predisposing syndrome. Last evaluated: 2026-09-10. Review status: criteria provided, single submitter. Criteria: Ambry Variant Classification Scheme 2023. Collection method: clinical testing. Allele origin: germline.
Comment: The c.1462delG pathogenic mutation, located in coding exon 10 of the FLCN gene, results from a deletion of one nucleotide at nucleotide position 1462, causing a translational frameshift with a predicted alternate stop codon (p.A488Rfs*3). This variant was reported in individual(s) with features consistent with Birt-Hogg-Dube syndrome (Ambry internal data). This variant is considered to be rare based on population cohorts in the Genome Aggregation Database (gnomAD). This alteration is expected to result in loss of function by premature protein truncation or nonsense-mediated mRNA decay. As such, this alteration is interpreted as a disease-causing mutation.

PreventionGenetics, part of Exact Sciences
Classification: Pathogenic for FLCN-related condition. Last evaluated: 2026-08-25. Review status: criteria provided, single submitter. Criteria: ACMG Guidelines, 2015. Collection method: clinical testing. Allele origin: germline.
Comment: The FLCN c.1462delG variant is predicted to result in a frameshift and premature protein termination (p.Ala488Argfs*3). To our knowledge, this variant has not been reported in the literature or in a large population database (gnomAD), indicating this variant is rare. At the time of reporting, this variant is absent from the ClinVar database. Frameshift variants in FLCN are expected to be pathogenic. This variant is interpreted as pathogenic.